The following is an entry in ClinVar:

NM_018124.4(RFWD3):c.588T>C (p.Tyr196=)

Gene: RFWD3 (ring finger and WD repeat domain 3; minus strand). Cytogenetic location: 16q23.1.
Variant type: single nucleotide variant.
Coding change: c.588T>C on transcript NM_018124.4 (MANE Select); coding-DNA position 588, T replaced by C.
Protein change: p.Tyr196=; no amino-acid change (tyrosine 196 retained).
Molecular consequence: synonymous variant. On other transcripts: 5 prime UTR variant (4), intron variant (1).
Genome position (GRCh38, 1-based): chr16:74,652,053, A>G on the plus strand (T>C on the coding strand, the complement: RFWD3 is on the minus strand). VCF-style: chr16-74652053-A-G. GRCh37 (hg19) VCF-style: chr16-74685951-A-G.
Other names: c.588T>C, p.Tyr196= (NM_001370534.1, NM_001370535.1, NM_001370536.1); c.-421T>C (NM_001370537.1); c.-247T>C (NM_001370540.1); c.-298T>C (NM_001370542.1); c.-176T>C (NM_001370543.1); c.-113-2851T>C (NM_001370539.1); c.588T>C (NM_018124.3).
Identifiers: ClinVar variation 2139873 (VCV002139873.6), dbSNP rs776526678, ClinGen allele CA8169516.

ClinVar aggregate classification (germline): Benign. Review status: criteria provided, single submitter (1 of 4 stars). 2 submissions from 2 submitters: Benign (1). 1 of the submissions does not count toward it. Last evaluated 2025-12-20.

Conditions:
RFWD3-related disorder. Also called: RFWD3-related condition.

Allele frequency attached by ClinVar (database versions not stated): gnomAD 0.00005; TOPMed 0.00010; ExAC 0.00014.
gnomAD v4.1: 66 of 1,614,072 alleles (0.0041%); highest among the groups gnomAD compares: East Asian, 0.12%; no homozygotes.

Submissions (2):

Labcorp Genetics (formerly Invitae), Labcorp
Classification: Benign. Last evaluated: 2025-12-20. Review status: criteria provided, single submitter. Criteria: Invitae Variant Classification Sherloc (09022015). Collection method: clinical testing. Allele origin: germline.

PreventionGenetics, part of Exact Sciences
Classification: Likely benign for RFWD3-related condition. Last evaluated: 2021-05-10. Review status: no assertion criteria provided. Collection method: clinical testing. Allele origin: germline. Not counted in ClinVar's aggregate classification.
Comment: This variant is classified as likely benign based on ACMG/AMP sequence variant interpretation guidelines (Richards et al. 2015 PMID: 25741868, with internal and published modifications).